The following is an entry in ClinVar:

NM_004360.5(CDH1):c.1744CTG[1] (p.Leu583del)

Gene: CDH1 (cadherin 1; plus strand). Cytogenetic location: 16q22.1.
Variant type: Microsatellite.
Coding change: c.1744CTG[1] on transcript NM_004360.5 (MANE Select); one copy of the 3-base unit CTG starting at c.1744; the reference has two copies in a row; one copy, 3 bases deleted.
Protein change: p.Leu583del; deletes leucine 583.
Molecular consequence: inframe deletion. On other transcripts: 5 prime UTR variant (1).
Genome position (GRCh38, 1-based): chr16:68,822,036-68,822,038, CTG deleted; deleting any 3 consecutive bases within chr16:68,822,033-68,822,038 gives the same sequence; the position shown is the placement nearest the transcript's 3' end. VCF-style (leftmost placement, unchanged base first): chr16-68822032-TCTG-T. GRCh37 (hg19) VCF-style: chr16-68855935-TCTG-T.
Other names: c.1561CTG[1], p.Leu522del (NM_001317184.2); c.196CTG[1], p.Leu67del (NM_001317185.2); c.-222CTG[1] (NM_001317186.2); short protein forms L583del, L67del, L522del.
Identifiers: ClinVar variation 503874 (VCV000503874.3), dbSNP rs1555516823, ClinGen allele CA645580183.

ClinVar aggregate classification (germline): Uncertain significance. Review status: criteria provided, multiple submitters, no conflicts (2 of 4 stars). 2 submissions from 2 submitters: Uncertain significance (2). Last evaluated 2024-07-26.

Conditions:
Hereditary cancer-predisposing syndrome. Also called: Neoplastic Syndromes, Hereditary; Hereditary Cancer Syndrome; Tumor predisposition; Hereditary neoplastic syndrome. Identifiers: Orphanet 140162, MedGen C0027672, MeSH D009386, MONDO:0015356.

Submissions (2):

Ambry Genetics
Classification: Uncertain significance for Hereditary cancer-predisposing syndrome. Last evaluated: 2024-07-26. Review status: criteria provided, single submitter. Criteria: Ambry Variant Classification Scheme 2023. Collection method: clinical testing. Allele origin: germline.
Comment: The c.1747_1749delCTG variant (also known as p.L583del) is located in coding exon 12 of the CDH1 gene. This variant results from an in-frame CTG deletion at nucleotide positions 1747 to 1749. This results in the in-frame deletion of a leucine at codon 583. This amino acid position is well conserved in available vertebrate species. In addition, this alteration is predicted to be deleterious by in silico analysis (Choi Y et al. PLoS ONE. 2012; 7(10):e46688). Based on the available evidence, the clinical significance of this variant remains unclear.

GeneDx
Classification: Uncertain significance. Last evaluated: 2017-11-29. Review status: criteria provided, single submitter. Criteria: GeneDx Variant Classification (06012015). Collection method: clinical testing. Allele origin: germline. Affected: yes.
Comment: The c.1747_1749delCTG variant in the CDH1 gene has not been reported previously as a germline pathogenic variant nor as a benign variant, to our knowledge. This variant causes an in-frame deletion of codon Leucine 583, denoted p.Leu583del. In-silico analyses, including protein predictors and evolutionary conservation, support a deleterious effect. The c.1747_1749delCTG variant is not observed in large population cohorts (Lek et al., 2016). We interpret c.1747_1749delCTG as a variant of uncertain significance.